The following is an entry in ClinVar:

NM_015656.2(KIF26A):c.2145C>T (p.Thr715=)

Gene: KIF26A (kinesin family member 26A; plus strand). Cytogenetic location: 14q32.33.
Variant type: single nucleotide variant.
Coding change: c.2145C>T on transcript NM_015656.2 (MANE Select); coding-DNA position 2145, C replaced by T.
Protein change: p.Thr715=; no amino-acid change (threonine 715 retained).
Molecular consequence: synonymous variant.
Genome position (GRCh38, 1-based): chr14:104,174,262, C>T. VCF-style: chr14-104174262-C-T. GRCh37 (hg19) VCF-style: chr14-104640599-C-T.
Identifiers: ClinVar variation 5039191 (VCV005039191.1).

ClinVar aggregate classification (germline): Likely benign (1 of 4 stars; one submission).

gnomAD v4.1: 90 of 1,567,628 alleles (0.0057%); highest among the groups gnomAD compares: African/African-American, 0.084%; no homozygotes.

Submission:

CeGaT Center for Human Genetics Tuebingen
Classification: Likely benign. Last evaluated: 2026-07-01. Review status: criteria provided, single submitter. Criteria: CeGaT Center For Human Genetics Tuebingen Variant Classification Criteria Version 2. Collection method: clinical testing. Allele origin: germline. Affected: yes. Observed: 1 variant allele.
Comment: KIF26A: BP4, BP7